The following is an entry in ClinVar:

NM_001942.4(DSG1):c.1487C>T (p.Pro496Leu)

Gene: DSG1 (desmoglein 1; plus strand). Cytogenetic location: 18q12.1.
Variant type: single nucleotide variant.
Coding change: c.1487C>T on transcript NM_001942.4 (MANE Select); coding-DNA position 1487, C replaced by T.
Protein change: p.Pro496Leu; replaces proline 496 with leucine.
Molecular consequence: missense variant.
Genome position (GRCh38, 1-based): chr18:31,339,825, C>T. VCF-style: chr18-31339825-C-T. GRCh37 (hg19) VCF-style: chr18-28919788-C-T.
Other names: short protein forms P496L.
Identifiers: ClinVar variation 2186788 (VCV002186788.4), dbSNP rs143742729, ClinGen allele CA8926097.
Genomic context (GRCh38, chr18:31,339,825, plus strand): 5'-CTGGTACAATTAATATTAACATTCAAAGTTTTGGTAATGACGACAGGACTAATACAGAGC[C>T]GAACACTAAAATTACTACCAATACTGGCAGACAAGAAAGTACTTCTTCCACTAACTATGA-3'
Protein context (NP_001933.2, residues 486-506): FGNDDRTNTE[Pro496Leu]NTKITTNTGR

ClinVar aggregate classification (germline): Uncertain significance (1 of 4 stars; one submission).

Allele frequency attached by ClinVar (database versions not stated): ExAC 0.00004; TOPMed 0.00012; 1000 Genomes Project 30x 0.00016; gnomAD 0.00016; 1000 Genomes Project 0.00020; ESP Exome Variant Server 0.00023.
gnomAD v4.1: 53 of 1,613,480 alleles (0.0033%); highest among the groups gnomAD compares: African/African-American, 0.052%; no homozygotes.

Submission:

Labcorp Genetics (formerly Invitae), Labcorp
Classification: Uncertain significance. Last evaluated: 2025-10-24. Review status: criteria provided, single submitter. Criteria: Invitae Variant Classification Sherloc (09022015). Collection method: clinical testing. Allele origin: germline.
Comment: This sequence change replaces proline, which is neutral and non-polar, with leucine, which is neutral and non-polar, at codon 496 of the DSG1 protein (p.Pro496Leu). This variant is present in population databases (rs143742729, gnomAD 0.03%). This variant has not been reported in the literature in individuals affected with DSG1-related conditions. ClinVar contains an entry for this variant (Variation ID: 2186788). Invitae Evidence Modeling of protein sequence and biophysical properties (such as structural, functional, and spatial information, amino acid conservation, physicochemical variation, residue mobility, and thermodynamic stability) indicates that this missense variant is not expected to disrupt DSG1 protein function with a negative predictive value of 80%. In summary, the available evidence is currently insufficient to determine the role of this variant in disease. Therefore, it has been classified as a Variant of Uncertain Significance.